The following is an entry in ClinVar:

ClinVar aggregate classification (germline): Conflicting classifications of pathogenicity. Review status: criteria provided, conflicting classifications (1 of 4 stars). 3 submissions from 3 submitters: Uncertain significance (2); Likely benign (1). Last evaluated 2026-05-05.

Conditions:
Inborn genetic diseases. Identifiers: MedGen C0950123, MeSH D030342.
Nemaline myopathy 2 (NEM2). Also called: Nemaline myopathy 2, autosomal recessive. Identifiers: MedGen C1850569, MONDO:0009725, OMIM 256030.

Allele frequency attached by ClinVar (database versions not stated): ExAC 0.00002; gnomAD 0.00006 and 0.00007; TOPMed 0.00009; gnomAD exomes 0.00001 and 0.00002.
gnomAD v4.1: 21 of 1,613,790 alleles (0.0013%); highest among the groups gnomAD compares: African/African-American, 0.027%; no homozygotes.

Submissions (3):

Ambry Genetics
Classification: Uncertain significance for Inborn genetic diseases. Last evaluated: 2026-05-05. Review status: criteria provided, single submitter. Criteria: Ambry Variant Classification Scheme 2023. Collection method: clinical testing. Allele origin: germline.
Comment: The c.10231G>A (p.G3411R) alteration is located in exon 71 (coding exon 69) of the NEB gene. This alteration results from a G to A substitution at nucleotide position 10231, causing the glycine (G) at amino acid position 3411 to be replaced by an arginine (R). Based on data from gnomAD, the A allele has an overall frequency of 0.002% (5/280286) total alleles studied. The highest observed frequency was 0.017% (4/24198) of African alleles. Based on insufficient or conflicting evidence, the clinical significance of this alteration remains unclear.

Labcorp Genetics (formerly Invitae), Labcorp
Classification: Likely benign for Nemaline myopathy 2. Last evaluated: 2025-01-08. Review status: criteria provided, single submitter. Criteria: Invitae Variant Classification Sherloc (09022015). Collection method: clinical testing. Allele origin: germline.

Revvity Omics, Revvity
Classification: Uncertain significance. Last evaluated: 2019-04-05. Review status: criteria provided, single submitter. Criteria: ACMG Guidelines, 2015. Collection method: clinical testing. Allele origin: germline.

NM_001164508.2(NEB):c.10960G>A (p.Gly3654Arg)

Gene: NEB (nebulin; minus strand). Cytogenetic location: 2q23.3.
Variant type: single nucleotide variant.
Coding change: c.10960G>A on transcript NM_001164508.2 (MANE Select); coding-DNA position 10960, G replaced by A.
Protein change: p.Gly3654Arg; replaces glycine 3654 with arginine.
Molecular consequence: missense variant.
Genome position (GRCh38, 1-based): chr2:151,618,391, C>T on the plus strand (G>A on the coding strand, the complement: NEB is on the minus strand). VCF-style: chr2-151618391-C-T. GRCh37 (hg19) VCF-style: chr2-152474905-C-T.
Other names: c.10960G>A, p.Gly3654Arg (NM_001164507.2, NM_001271208.2); c.10231G>A, p.Gly3411Arg (NM_004543.5); c.10231G>A (NM_004543.4); c.10960G>A (NM_001271208.1); short protein forms G3411R, G3654R.
Identifiers: ClinVar variation 1377826 (VCV001377826.12), dbSNP rs754341838, ClinGen allele CA1908912.
Genomic context (GRCh38, chr2:151,618,391, plus strand): 5'-TACTGGTAAATTTCAGCGTTTCTGGACGCTGACGGTAGATAGTATCACTAAGTAATTCTC[C>T]AGCTCTCTTGGCCCTAACAACTTCCAAGGAATCAATCGGAACCCAGCCAATGCCTTTCAT-3'
Protein context (NP_001157980.2, residues 3644-3664): SLEVVRAKRA[Gly3654Arg]ELLSDTIYRQ